The following is an entry in ClinVar:

NM_019098.5(CNGB3):c.1030A>G (p.Ile344Val)

Gene: CNGB3 (cyclic nucleotide gated channel subunit beta 3; minus strand). Cytogenetic location: 8q21.3.
Variant type: single nucleotide variant.
Coding change: c.1030A>G on transcript NM_019098.5 (MANE Select); coding-DNA position 1030, A replaced by G.
Protein change: p.Ile344Val; replaces isoleucine 344 with valine.
Molecular consequence: missense variant.
Genome position (GRCh38, 1-based): chr8:86,644,647, T>C on the plus strand (A>G on the coding strand, the complement: CNGB3 is on the minus strand). VCF-style: chr8-86644647-T-C. GRCh37 (hg19) VCF-style: chr8-87656875-T-C.
Other names: short protein forms I344V.
Identifiers: ClinVar variation 2047098 (VCV002047098.2), dbSNP rs769279449, ClinGen allele CA4800179.

ClinVar aggregate classification (germline): Uncertain significance. Review status: criteria provided, multiple submitters, no conflicts (2 of 4 stars). 2 submissions from 2 submitters: Uncertain significance (2). Last evaluated 2022-05-06.

Conditions:
Inborn genetic diseases. Identifiers: MedGen C0950123, MeSH D030342.

Allele frequency attached by ClinVar (database versions not stated): gnomAD 0.00001; TOPMed 0.00002; ExAC 0.00003.
gnomAD v4.1: 12 of 1,599,644 alleles (0.00075%); highest among the groups gnomAD compares: Admixed American, 0.02%; no homozygotes.

Submissions (2):

Ambry Genetics
Classification: Uncertain significance for Inborn genetic diseases. Last evaluated: 2022-05-06. Review status: criteria provided, single submitter. Criteria: Ambry Variant Classification Scheme 2023. Collection method: clinical testing. Allele origin: germline.

Labcorp Genetics (formerly Invitae), Labcorp
Classification: Uncertain significance. Last evaluated: 2022-04-28. Review status: criteria provided, single submitter. Criteria: Invitae Variant Classification Sherloc (09022015). Collection method: clinical testing. Allele origin: germline.
Comment: This sequence change replaces isoleucine, which is neutral and non-polar, with valine, which is neutral and non-polar, at codon 344 of the CNGB3 protein (p.Ile344Val). This variant is present in population databases (rs769279449, gnomAD 0.04%). This variant has not been reported in the literature in individuals affected with CNGB3-related conditions. Advanced modeling of protein sequence and biophysical properties (such as structural, functional, and spatial information, amino acid conservation, physicochemical variation, residue mobility, and thermodynamic stability) performed at Invitae indicates that this missense variant is not expected to disrupt CNGB3 protein function. In summary, the available evidence is currently insufficient to determine the role of this variant in disease. Therefore, it has been classified as a Variant of Uncertain Significance.